The following is an entry in ClinVar:

ClinVar aggregate classification (germline): Uncertain significance. Review status: criteria provided, multiple submitters, no conflicts (2 of 4 stars). 2 submissions from 2 submitters: Uncertain significance (2). Last evaluated 2023-11-15.

Conditions:
Intellectual disability, CASK-related, X-linked. Identifiers: MedGen CN043158.

Submissions (2):

GeneDx
Classification: Uncertain significance. Last evaluated: 2023-11-15. Review status: criteria provided, single submitter. Criteria: GeneDx Variant Classification Process June 2021. Collection method: clinical testing. Allele origin: germline. Affected: yes.
Comment: Has not been previously published as pathogenic or benign to our knowledge; Not observed at significant frequency in large population cohorts (gnomAD); In silico analysis supports that this missense variant has a deleterious effect on protein structure/function

Labcorp Genetics (formerly Invitae), Labcorp
Classification: Uncertain significance for Intellectual disability, CASK-related, X-linked. Last evaluated: 2022-11-15. Review status: criteria provided, single submitter. Criteria: Invitae Variant Classification Sherloc (09022015). Collection method: clinical testing. Allele origin: germline.
Comment: ClinVar contains an entry for this variant (Variation ID: 1353546). Algorithms developed to predict the effect of missense changes on protein structure and function (SIFT, PolyPhen-2, Align-GVGD) all suggest that this variant is likely to be disruptive. In summary, the available evidence is currently insufficient to determine the role of this variant in disease. Therefore, it has been classified as a Variant of Uncertain Significance. This variant has not been reported in the literature in individuals affected with CASK-related conditions. This sequence change replaces glycine, which is neutral and non-polar, with alanine, which is neutral and non-polar, at codon 533 of the CASK protein (p.Gly533Ala). This variant is not present in population databases (gnomAD no frequency).

NM_001367721.1(CASK):c.1598G>C (p.Gly533Ala)

Gene: CASK (calcium/calmodulin dependent serine protein kinase; minus strand). Cytogenetic location: Xp11.4.
Variant type: single nucleotide variant.
Coding change: c.1598G>C on transcript NM_001367721.1 (MANE Select); coding-DNA position 1598, G replaced by C.
Protein change: p.Gly533Ala; replaces glycine 533 with alanine.
Molecular consequence: missense variant.
Genome position (GRCh38, 1-based): chrX:41,561,629, C>G on the plus strand (G>C on the coding strand, the complement: CASK is on the minus strand). VCF-style: chrX-41561629-C-G. GRCh37 (hg19) VCF-style: chrX-41420882-C-G.
Other names: c.1598G>C, p.Gly533Ala (NM_001126054.3, NM_003688.4); c.1580G>C, p.Gly527Ala (NM_001126055.3, NM_001410745.1); short protein forms G527A, G533A.
Identifiers: ClinVar variation 1353546 (VCV001353546.7), dbSNP rs2147155894, ClinGen allele CA412995042.
Genomic context (GRCh38, chrX:41,561,629, plus strand): 5'-TGCAGTTGTTCCACTGTTTGGTTAGCCACACTGATGCCATTGATTTCTCGAATTTCATCA[C>G]CAACATGAAGTGTACCTAAGAAATTATATAACATTATAAACATGAAATGATATATGCTTT-3'
Protein context (NP_001354650.1, residues 523-543): MIHRQGTLHV[Gly533Ala]DEIREINGIS